The following is an entry in ClinVar:

ClinVar aggregate classification (germline): Uncertain significance (1 of 4 stars; one submission).

Allele frequency attached by ClinVar (database versions not stated): gnomAD exomes below 0.00001; TOPMed below 0.00001; gnomAD 0.00001.

Submission:

Labcorp Genetics (formerly Invitae), Labcorp
Classification: Uncertain significance. Last evaluated: 2022-08-23. Review status: criteria provided, single submitter. Criteria: Invitae Variant Classification Sherloc (09022015). Collection method: clinical testing. Allele origin: germline.
Comment: This sequence change creates a premature translational stop signal (p.Lys1309*) in the GPR179 gene. While this is not anticipated to result in nonsense mediated decay, it is expected to disrupt the last 1059 amino acid(s) of the GPR179 protein. This variant is present in population databases (no rsID available, gnomAD 0.01%). This variant has not been reported in the literature in individuals affected with GPR179-related conditions. In summary, the available evidence is currently insufficient to determine the role of this variant in disease. Therefore, it has been classified as a Variant of Uncertain Significance.

NM_001004334.4(GPR179):c.3925A>T (p.Lys1309Ter)

Gene: GPR179 (G protein-coupled receptor 179; minus strand). Cytogenetic location: 17q12.
Variant type: single nucleotide variant.
Coding change: c.3925A>T on transcript NM_001004334.4 (MANE Select); coding-DNA position 3925, A replaced by T.
Protein change: p.Lys1309Ter; replaces lysine 1309 with a stop codon.
Molecular consequence: nonsense.
Genome position (GRCh38, 1-based): chr17:38,329,644, T>A on the plus strand (A>T on the coding strand, the complement: GPR179 is on the minus strand). VCF-style: chr17-38329644-T-A. GRCh37 (hg19) VCF-style: chr17-36485527-T-A.
Other names: short protein forms K1309*.
Identifiers: ClinVar variation 1994383 (VCV001994383.4), dbSNP rs1439713304, ClinGen allele CA398878153.